The following is an entry in ClinVar:

ClinVar aggregate classification (germline): Uncertain significance. Review status: criteria provided, multiple submitters, no conflicts (2 of 4 stars). 4 submissions from 4 submitters: Uncertain significance (4). Last evaluated 2023-02-15.

Conditions:
Fanconi anemia complementation group P. Also called: SLX4-Related Fanconi Anemia. Identifiers: Orphanet 84, MedGen C3469542, MONDO:0013499, OMIM 613951.
Fanconi anemia (FA). Also called: Fanconi's anemia. Identifiers: Orphanet 84, MedGen C0015625, MeSH D005199, MONDO:0019391.
Inborn genetic diseases. Identifiers: MedGen C0950123, MeSH D030342.

Allele frequency attached by ClinVar (database versions not stated): TOPMed 0.00001.
gnomAD v4.1: 10 of 1,614,070 alleles (0.00062%); highest among the groups gnomAD compares: East Asian, 0.011%; no homozygotes.

Submissions (4):

Ambry Genetics
Classification: Uncertain significance for Inborn genetic diseases. Last evaluated: 2023-02-15. Review status: criteria provided, single submitter. Criteria: Ambry Variant Classification Scheme 2023. Collection method: clinical testing. Allele origin: germline.

Labcorp Genetics (formerly Invitae), Labcorp
Classification: Uncertain significance for Fanconi anemia. Last evaluated: 2021-09-02. Review status: criteria provided, single submitter. Criteria: Invitae Variant Classification Sherloc (09022015). Collection method: clinical testing. Allele origin: germline.
Comment: This sequence change replaces glutamic acid with aspartic acid at codon 140 of the SLX4 protein (p.Glu140Asp). The glutamic acid residue is weakly conserved and there is a small physicochemical difference between glutamic acid and aspartic acid. This variant is present in population databases (rs753015235, ExAC 0.03%). This variant has not been reported in the literature in individuals affected with SLX4-related conditions. Algorithms developed to predict the effect of missense changes on protein structure and function output the following: SIFT: "Tolerated"; PolyPhen-2: "Benign"; Align-GVGD: "Class C0". The aspartic acid amino acid residue is found in multiple mammalian species, which suggests that this missense change does not adversely affect protein function. In summary, the available evidence is currently insufficient to determine the role of this variant in disease. Therefore, it has been classified as a Variant of Uncertain Significance.

Sema4
Classification: Uncertain significance for Fanconi anemia. Last evaluated: 2021-08-19. Review status: criteria provided, single submitter. Criteria: Sema4 Curation Guidelines. Collection method: curation. Allele origin: germline.
Comment: The SLX4 c.420G>T (p.E140D) variant has not been reported in the literature to our knowledge. It was observed in 4/19954 chromosomes of the East Asian subpopulation in the large and broad cohorts of the Genome Aggregation Database (PMID: 32461654) and has been reported in ClinVar (Variation ID 944056). In silico tools suggest the impact of the variant on protein function is benign, though these predictions have not been confirmed by functional studies. The evidence is insufficient to meet ACMG/AMP criteria for classifying the variant as benign or pathogenic. Thus, the clinical significance of this variant is currently uncertain.

Fulgent Genetics
Classification: Uncertain significance for Fanconi anemia complementation group P. Last evaluated: 2021-07-08. Review status: criteria provided, single submitter. Criteria: ACMG Guidelines, 2015. Collection method: clinical testing. Allele origin: unknown.

NM_032444.4(SLX4):c.420G>T (p.Glu140Asp)

Gene: SLX4 (SLX4 structure-specific endonuclease subunit; minus strand). Cytogenetic location: 16p13.3.
Variant type: single nucleotide variant.
Coding change: c.420G>T on transcript NM_032444.4 (MANE Select); coding-DNA position 420, G replaced by T.
Protein change: p.Glu140Asp; replaces glutamic acid 140 with aspartic acid.
Molecular consequence: missense variant.
Genome position (GRCh38, 1-based): chr16:3,608,545, C>A on the plus strand (G>T on the coding strand, the complement: SLX4 is on the minus strand). VCF-style: chr16-3608545-C-A. GRCh37 (hg19) VCF-style: chr16-3658546-C-A.
Other names: short protein forms E140D.
Identifiers: ClinVar variation 944056 (VCV000944056.9), dbSNP rs753015235, ClinGen allele CA7866884.